The following is an entry in ClinVar:

ClinVar aggregate classification (germline): Uncertain significance. Review status: criteria provided, multiple submitters, no conflicts (2 of 4 stars). 2 submissions from 2 submitters: Uncertain significance (2). Last evaluated 2025-06-25.

Conditions:
Pancreatic adenocarcinoma. Identifiers: MedGen C0281361, MONDO:0006047, HP:0006725.

gnomAD v4.1: 66 of 1,536,290 alleles (0.0043%); highest among the groups gnomAD compares: Non-Finnish European, 0.0054%; no homozygotes.

Submissions (2):

Labcorp Genetics (formerly Invitae), Labcorp
Classification: Uncertain significance for Pancreatic adenocarcinoma. Last evaluated: 2025-06-25. Review status: criteria provided, single submitter. Criteria: Invitae Variant Classification Sherloc (09022015). Collection method: clinical testing. Allele origin: germline.
Comment: This sequence change replaces arginine, which is basic and polar, with glutamine, which is neutral and polar, at codon 631 of the PALLD protein (p.Arg631Gln). This variant is not present in population databases (gnomAD no frequency). This variant has not been reported in the literature in individuals affected with PALLD-related conditions. ClinVar contains an entry for this variant (Variation ID: 3413684). An algorithm developed to predict the effect of missense changes on protein structure and function (PolyPhen-2) suggests that this variant is likely to be tolerated. In summary, the available evidence is currently insufficient to determine the role of this variant in disease. Therefore, it has been classified as a Variant of Uncertain Significance.

Ambry Genetics
Classification: Uncertain significance. Last evaluated: 2024-12-03. Review status: criteria provided, single submitter. Criteria: Ambry Variant Classification Scheme 2023. Collection method: clinical testing. Allele origin: germline.
Comment: The p.R631Q variant (also known as c.1892G>A), located in coding exon 11 of the PALLD gene, results from a G to A substitution at nucleotide position 1892. The arginine at codon 631 is replaced by glutamine, an amino acid with highly similar properties. This amino acid position is conserved. In addition, the in silico prediction for this alteration is inconclusive. Based on the available evidence, the clinical significance of this variant remains unclear.

NM_001166108.2(PALLD):c.*78G>A

Genes: CBR4 (carbonyl reductase 4; minus strand), PALLD (palladin, cytoskeletal associated protein; plus strand). Cytogenetic location: 4q32.3.
Variant type: single nucleotide variant.
Coding change: c.*78G>A on transcript NM_001166108.2 (MANE Select); 78 bases downstream of the stop codon, G replaced by A.
Molecular consequence: 3 prime UTR variant. On other transcripts: missense variant (4).
Genome position (GRCh38, 1-based): chr4:168,926,258, G>A. VCF-style: chr4-168926258-G-A. GRCh37 (hg19) VCF-style: chr4-169847409-G-A.
Other names: c.2207G>A, p.Arg736Gln (NM_001166109.2); c.1892G>A, p.Arg631Gln (NM_001166110.2); c.*78G>A (NM_001367567.1, NM_001367570.1, NM_016081.4); c.1283G>A, p.Arg428Gln (NM_001367568.1); c.1232G>A, p.Arg411Gln (NM_001367569.1); short protein forms R428Q, R736Q, R411Q, R631Q.
Identifiers: ClinVar variation 3413684 (VCV003413684.2).